The following is an entry in ClinVar:

ClinVar aggregate classification (germline): Likely benign (0 of 4 stars; one submission).

Conditions:
TNS1-related disorder. Also called: TNS1-related condition.

Allele frequency attached by ClinVar (database versions not stated): ESP Exome Variant Server 0.00008; gnomAD 0.00009; gnomAD exomes 0.00017; TOPMed 0.00034; ExAC 0.00050.
gnomAD v4.1: 249 of 1,613,912 alleles (0.015%); highest among the groups gnomAD compares: Admixed American, 0.34%; no homozygotes.

Submission:

PreventionGenetics, part of Exact Sciences
Classification: Likely benign for TNS1-related condition. Last evaluated: 2022-07-28. Review status: no assertion criteria provided. Collection method: clinical testing. Allele origin: germline.
Comment: This variant is classified as likely benign based on ACMG/AMP sequence variant interpretation guidelines (Richards et al. 2015 PMID: 25741868, with internal and published modifications).

NM_001387777.1(TNS1):c.3905G>A (p.Arg1302Gln)

Gene: TNS1 (tensin 1; minus strand). Cytogenetic location: 2q35.
Variant type: single nucleotide variant.
Coding change: c.3905G>A on transcript NM_001387777.1 (MANE Select); coding-DNA position 3905, G replaced by A.
Protein change: p.Arg1302Gln; replaces arginine 1302 with glutamine.
Molecular consequence: missense variant.
Genome position (GRCh38, 1-based): chr2:217,818,427, C>T on the plus strand (G>A on the coding strand, the complement: TNS1 is on the minus strand). VCF-style: chr2-217818427-C-T. GRCh37 (hg19) VCF-style: chr2-218683150-C-T.
Other names: c.3554G>A, p.Arg1185Gln (NM_001308022.2); c.3530G>A, p.Arg1177Gln (NM_001308023.2); c.3593G>A, p.Arg1198Gln (NM_022648.7); short protein forms R1177Q, R1185Q, R1198Q, R1302Q.
Identifiers: ClinVar variation 3038789 (VCV003038789.2), dbSNP rs369393471, ClinGen allele CA2099753.
Genomic context (GRCh38, chr2:217,818,427, plus strand): 5'-ATCATCTGGTGATGGCTCAAACTGGGACTGCTGGGGGCAGCCATGCTGGGATTGATGGCC[C>T]GCCAGCCGAAGCCAGGACTAGGGGGAGTGTTGGTGCCCACTGTTCTGTGGCGCGCCTGAG-3'
Protein context (NP_001374706.1, residues 1292-1312): NTPPSPGFGW[Arg1302Gln]AINPSMAAPS